The following is an entry in ClinVar:

NM_005909.5(MAP1B):c.3745G>A (p.Glu1249Lys)

Gene: MAP1B (microtubule associated protein 1B; plus strand). Cytogenetic location: 5q13.2.
Variant type: single nucleotide variant.
Coding change: c.3745G>A on transcript NM_005909.5 (MANE Select); coding-DNA position 3745, G replaced by A.
Protein change: p.Glu1249Lys; replaces glutamic acid 1249 with lysine.
Molecular consequence: missense variant.
Genome position (GRCh38, 1-based): chr5:72,197,100, G>A. VCF-style: chr5-72197100-G-A. GRCh37 (hg19) VCF-style: chr5-71492927-G-A.
Other names: c.3367G>A, p.Glu1123Lys (NM_001324255.2); short protein forms E1123K, E1249K.
Identifiers: ClinVar variation 1705086 (VCV001705086.1), dbSNP rs2112238227, ClinGen allele CA360013103.

ClinVar aggregate classification (germline): Uncertain significance (1 of 4 stars; one submission).

Allele frequency attached by ClinVar (database versions not stated): gnomAD exomes below 0.00001.
gnomAD v4.1: 1 of 1,614,204 alleles (0.000062%); highest among the groups gnomAD compares: Non-Finnish European, 0.000085%; no homozygotes.

Submission:

Women's Health and Genetics/Laboratory Corporation of America, LabCorp
Classification: Uncertain significance. Last evaluated: 2022-08-12. Review status: criteria provided, single submitter. Criteria: LabCorp Variant Classification Summary - May 2015. Collection method: clinical testing. Allele origin: germline.
Comment: Variant summary: MAP1B c.3745G>A (p.Glu1249Lys) results in a conservative amino acid change in the encoded protein sequence. Four of four in-silico tools predict a benign effect of the variant on protein function. The variant was absent in 251468 control chromosomes (gnomAD). The available data on variant occurrences in the general population are insufficient to allow any conclusion about variant significance. To our knowledge, no occurrence of c.3745G>A in individuals affected with Periventricular Nodular Heterotopia 9 and no experimental evidence demonstrating its impact on protein function have been reported. No clinical diagnostic laboratories have submitted clinical-significance assessments for this variant to ClinVar after 2014. Based on the evidence outlined above, the variant was classified as uncertain significance.